The following is an entry in ClinVar:

NM_000038.6(APC):c.6053del (p.Pro2018fs)

Gene: APC (APC regulator of Wnt signaling pathway; plus strand). Cytogenetic location: 5q22.2.
Variant type: Deletion.
Coding change: c.6053del on transcript NM_000038.6 (MANE Select); coding-DNA position 6053, one base deleted (C; older notation c.6053delC).
Protein change: p.Pro2018fs; shifts the reading frame from proline 2018.
Molecular consequence: frameshift variant.
Genome position (GRCh38, 1-based): chr5:112,841,647, C deleted; the last of 4 consecutive C bases (chr5:112,841,644-112,841,647); deleting any one gives the same sequence. VCF-style (leftmost placement, unchanged base first): chr5-112841643-AC-A. GRCh37 (hg19) VCF-style: chr5-112177340-AC-A.
Other names: c.6053del, p.Pro2018fs (NM_001127510.3, NM_001354895.2); c.5999del, p.Pro2000fs (NM_001127511.3); c.6107del, p.Pro2036fs (NM_001354896.2); c.6083del, p.Pro2028fs (NM_001354897.2); c.5978del, p.Pro1993fs (NM_001354898.2); c.5969del, p.Pro1990fs (NM_001354899.2); c.5930del, p.Pro1977fs (NM_001354900.2); c.5876del, p.Pro1959fs (NM_001354901.2); and 7 more; short protein forms P1858fs, P1917fs, P1959fs, P1990fs, P2018fs, P1892fs, P1927fs, P1977fs.
Identifiers: ClinVar variation 429055 (VCV000429055.17), dbSNP rs1131691142, ClinGen allele CA645369384.

ClinVar aggregate classification (germline): Pathogenic. Review status: criteria provided, multiple submitters, no conflicts (2 of 4 stars). 4 submissions from 4 submitters: Pathogenic (4). Last evaluated 2025-03-03.

Conditions:
Hereditary cancer-predisposing syndrome. Also called: Hereditary Cancer Syndrome; Neoplastic Syndromes, Hereditary; Hereditary neoplastic syndrome; Tumor predisposition. Identifiers: Orphanet 140162, MedGen C0027672, MeSH D009386, MONDO:0015356.
Familial adenomatous polyposis 1 (FAP1). Also called: FAMILIAL ADENOMATOUS POLYPOSIS 1, ATTENUATED; POLYPOSIS, ADENOMATOUS INTESTINAL. Identifiers: MedGen C2713442, MONDO:0021056, OMIM 175100. Disease mechanism: loss of function.

Submissions (4):

Labcorp Genetics (formerly Invitae), Labcorp
Classification: Pathogenic for Familial adenomatous polyposis 1. Last evaluated: 2025-03-03. Review status: criteria provided, single submitter. Criteria: Invitae Variant Classification Sherloc (09022015). Collection method: clinical testing. Allele origin: germline.
Comment: This sequence change creates a premature translational stop signal (p.Pro2018Glnfs*26) in the APC gene. While this is not anticipated to result in nonsense mediated decay, it is expected to disrupt the last 826 amino acid(s) of the APC protein. This variant is not present in population databases (gnomAD no frequency). This premature translational stop signal has been observed in individual(s) with APC-related conditions (PMID: 10612827). ClinVar contains an entry for this variant (Variation ID: 429055). This variant is expected to disrupt the EB1 and HDLG binding sites, which mediate interactions with the cytoskeleton (PMID: 15311282, 17293347). While functional studies have not been performed to directly test the effect on APC protein function, this suggests that disruption of the C-terminal portion of the protein is functionally important. A different truncation (p.Tyr2645Lysfs*14) that lies downstream of this variant has been determined to be pathogenic (PMID: 9824584, 1316610, 27081525, 8381579, 22135120, internal data). This suggests that deletion of this region of the APC protein is causative of disease. For these reasons, this variant has been classified as Pathogenic.

Quest Diagnostics Nichols Institute San Juan Capistrano
Classification: Pathogenic. Last evaluated: 2024-10-25. Review status: criteria provided, single submitter. Criteria: Quest Diagnostics criteria. Collection method: clinical testing. Allele origin: unknown.
Comment: The APC c.6053del (p.Pro2018Glnfs*26) variant alters the translational reading frame of the APC mRNA and causes the premature termination of APC protein synthesis. This variant has been reported in the published literature in individuals with APC-related conditions (PMID: 10612827 (2000), Quest internal data). This variant has not been reported in large, multi-ethnic general populations (Genome Aggregation Database). Based on the available information, this variant is classified as pathogenic.

Ambry Genetics
Classification: Pathogenic for Hereditary cancer-predisposing syndrome. Last evaluated: 2024-07-31. Review status: criteria provided, single submitter. Criteria: Ambry Variant Classification Scheme 2023. Collection method: clinical testing. Allele origin: germline.
Comment: The c.6053delC pathogenic mutation, located in coding exon 15 of the APC gene, results from a deletion of one nucleotide at nucleotide position 6053, causing a translational frameshift with a predicted alternate stop codon (p.P2018Qfs*26). This alteration occurs at the 3' terminus of the APC gene, is not expected to trigger nonsense-mediated mRNA decay, and impacts the last 28% of the protein. However, premature stop codons are typically deleterious in nature and a significant portion of the protein is affected (Ambry internal data). This variant has been observed in multiple individuals with a personal history that is consistent with APC-associated disease (Ambry internal data). This variant is considered to be rare based on population cohorts in the Genome Aggregation Database (gnomAD). Based on the supporting evidence, this variant is interpreted as a disease-causing mutation.

Myriad Genetics, Inc.
Classification: Pathogenic for Familial adenomatous polyposis 1. Last evaluated: 2023-05-15. Review status: criteria provided, single submitter. Criteria: Myriad Autosomal Dominant, Autosomal Recessive and X-Linked Classification Criteria (2023). Collection method: clinical testing. Allele origin: unknown.
Comment: This variant is considered pathogenic. This variant creates a frameshift predicted to result in premature protein truncation.

Literature cited by the submitters: PubMed 10612827 (cited by Labcorp Genetics (formerly Invitae), Labcorp and Quest Diagnostics Nichols Institute San Juan Capistrano); PubMed 15311282 (cited by Labcorp Genetics (formerly Invitae), Labcorp); PubMed 17293347 (cited by Labcorp Genetics (formerly Invitae), Labcorp); PubMed 9824584 (cited by Labcorp Genetics (formerly Invitae), Labcorp); PubMed 1316610 (cited by Labcorp Genetics (formerly Invitae), Labcorp); PubMed 27081525 (cited by Labcorp Genetics (formerly Invitae), Labcorp); PubMed 8381579 (cited by Labcorp Genetics (formerly Invitae), Labcorp); PubMed 22135120 (cited by Labcorp Genetics (formerly Invitae), Labcorp).